The following is an entry in ClinVar:

NM_005120.3(MED12):c.271C>T (p.Arg91Cys)

Gene: MED12 (mediator complex subunit 12; plus strand). Cytogenetic location: Xq13.1.
Variant type: single nucleotide variant.
Coding change: c.271C>T on transcript NM_005120.3 (MANE Select); coding-DNA position 271, C replaced by T.
Protein change: p.Arg91Cys; replaces arginine 91 with cysteine.
Molecular consequence: missense variant.
Genome position (GRCh38, 1-based): chrX:71,119,752, C>T. VCF-style: chrX-71119752-C-T. GRCh37 (hg19) VCF-style: chrX-70339602-C-T.
Other names: short protein forms R91C.
Identifiers: ClinVar variation 3340609 (VCV003340609.1).

ClinVar aggregate classification (germline): Uncertain significance (1 of 4 stars; one submission).

Submission:

GeneDx
Classification: Uncertain significance. Last evaluated: 2024-02-26. Review status: criteria provided, single submitter. Criteria: GeneDx Variant Classification Process June 2021. Collection method: clinical testing. Allele origin: germline. Affected: yes.
Comment: Identified as hemizygous in a patient with intellectual disability and dysmorphic facial features; however, this individual also harbored copy number variants (PMID: 29483668); Not observed at significant frequency in large population cohorts (gnomAD); In silico analysis supports that this missense variant has a deleterious effect on protein structure/function; In silico analysis suggests this variant may impact gene splicing. In the absence of RNA/functional studies, the actual effect of this sequence change is unknown.; This variant is associated with the following publications: (PMID: 29483668)